The following is an entry in ClinVar:

NM_014014.5(SNRNP200):c.4039T>C (p.Phe1347Leu)

Gene: SNRNP200 (small nuclear ribonucleoprotein U5 subunit 200; minus strand). Cytogenetic location: 2q11.2.
Variant type: single nucleotide variant.
Coding change: c.4039T>C on transcript NM_014014.5 (MANE Select); coding-DNA position 4039, T replaced by C.
Protein change: p.Phe1347Leu; replaces phenylalanine 1347 with leucine.
Molecular consequence: missense variant.
Genome position (GRCh38, 1-based): chr2:96,285,305, A>G on the plus strand (T>C on the coding strand, the complement: SNRNP200 is on the minus strand). VCF-style: chr2-96285305-A-G. GRCh37 (hg19) VCF-style: chr2-96951043-A-G.
Other names: short protein forms F1347L.
Identifiers: ClinVar variation 1479249 (VCV001479249.9), dbSNP rs2104342487, ClinGen allele CA347669201.
Genomic context (GRCh38, chr2:96,285,305, plus strand): 5'-TTCGCAGGATGGCAAACTCTGCACAAATAGTCTTCCCGCTGCCCGTGGGGGCCCCCACAA[A>G]CACGTTGTCGTCACTGTTGTATACAGTGTTAAACACTGGAAACCAACAGAAAGAAGCAGT-3'
Protein context (NP_054733.2, residues 1337-1357): NTVYNSDDNV[Phe1347Leu]VGAPTGSGKT

ClinVar aggregate classification (germline): Uncertain significance. Review status: criteria provided, multiple submitters, no conflicts (2 of 4 stars). 2 submissions from 2 submitters: Uncertain significance (2). Last evaluated 2024-04-16.

Submissions (2):

Blueprint Genetics
Classification: Uncertain significance. Last evaluated: 2024-04-16. Review status: criteria provided, single submitter. Criteria: ACMG Guidelines, 2015. Collection method: clinical testing. Allele origin: germline.

Labcorp Genetics (formerly Invitae), Labcorp
Classification: Uncertain significance. Last evaluated: 2023-07-17. Review status: criteria provided, single submitter. Criteria: Invitae Variant Classification Sherloc (09022015). Collection method: clinical testing. Allele origin: germline.
Comment: ClinVar contains an entry for this variant (Variation ID: 1479249). This variant has not been reported in the literature in individuals affected with SNRNP200-related conditions. This variant is not present in population databases (gnomAD no frequency). This sequence change replaces phenylalanine, which is neutral and non-polar, with leucine, which is neutral and non-polar, at codon 1347 of the SNRNP200 protein (p.Phe1347Leu). Advanced modeling of protein sequence and biophysical properties (such as structural, functional, and spatial information, amino acid conservation, physicochemical variation, residue mobility, and thermodynamic stability) performed at Invitae indicates that this missense variant is not expected to disrupt SNRNP200 protein function. In summary, the available evidence is currently insufficient to determine the role of this variant in disease. Therefore, it has been classified as a Variant of Uncertain Significance.